The following is an entry in ClinVar:

ClinVar aggregate classification (germline): Conflicting classifications of pathogenicity. Review status: criteria provided, conflicting classifications (1 of 4 stars). 4 submissions from 4 submitters: Uncertain significance (3); Likely benign (1). Last evaluated 2026-01-31.

Conditions:
Hereditary cancer-predisposing syndrome. Also called: Neoplastic Syndromes, Hereditary; Tumor predisposition; Hereditary Cancer Syndrome; Hereditary neoplastic syndrome. Identifiers: Orphanet 140162, MedGen C0027672, MeSH D009386, MONDO:0015356.
BAP1-related tumor predisposition syndrome (TPDS1). Also called: Tumor susceptibility linked to germline BAP1 mutations; BAP1 tumor predisposition syndrome; COMMON Syndrome; TUMOR PREDISPOSITION SYNDROME 1. Identifiers: Orphanet 289539, MedGen C3280492, MONDO:0013692, OMIM 614327.

Allele frequency attached by ClinVar (database versions not stated): TOPMed 0.00002.

Submissions (4):

Labcorp Genetics (formerly Invitae), Labcorp
Classification: Uncertain significance for BAP1-related tumor predisposition syndrome. Last evaluated: 2026-01-31. Review status: criteria provided, single submitter. Criteria: Invitae Variant Classification Sherloc (09022015). Collection method: clinical testing. Allele origin: germline.
Comment: This sequence change replaces glycine, which is neutral and non-polar, with glutamic acid, which is acidic and polar, at codon 427 of the BAP1 protein (p.Gly427Glu). This variant is not present in population databases (gnomAD no frequency). This variant has not been reported in the literature in individuals affected with BAP1-related conditions. ClinVar contains an entry for this variant (Variation ID: 485261). Invitae Evidence Modeling of protein sequence and biophysical properties (such as structural, functional, and spatial information, amino acid conservation, physicochemical variation, residue mobility, and thermodynamic stability) indicates that this missense variant is not expected to disrupt BAP1 protein function with a negative predictive value of 80%. In summary, the available evidence is currently insufficient to determine the role of this variant in disease. Therefore, it has been classified as a Variant of Uncertain Significance.

Ambry Genetics
Classification: Likely benign for Hereditary cancer-predisposing syndrome. Last evaluated: 2024-10-29. Review status: criteria provided, single submitter. Criteria: Ambry Variant Classification Scheme 2023. Collection method: clinical testing. Allele origin: germline.

Baylor Genetics
Classification: Uncertain significance for BAP1-related tumor predisposition syndrome. Last evaluated: 2023-08-09. Review status: criteria provided, single submitter. Criteria: ACMG Guidelines, 2015. Collection method: clinical testing. Allele origin: unknown.

Color Diagnostics, LLC DBA Color Health
Classification: Uncertain significance for Hereditary cancer-predisposing syndrome. Last evaluated: 2022-12-13. Review status: criteria provided, single submitter. Criteria: ACMG Guidelines, 2015. Collection method: clinical testing. Allele origin: germline.
Comment: This missense variant replaces glycine with glutamic acid at codon 427 of the BAP1 protein. Computational prediction suggests that this variant may not impact protein structure and function (internally defined REVEL score threshold <= 0.5, PMID: 27666373). To our knowledge, functional studies have not been reported for this variant. This variant has not been reported in individuals affected with BAP1-related disorders in the literature. This variant has not been identified in the general population by the Genome Aggregation Database (gnomAD). The available evidence is insufficient to determine the role of this variant in disease conclusively. Therefore, this variant is classified as a Variant of Uncertain Significance.

NM_004656.4(BAP1):c.1280G>A (p.Gly427Glu)

Gene: BAP1 (BRCA1 associated deubiquitinase 1; minus strand). Cytogenetic location: 3p21.1.
Variant type: single nucleotide variant.
Coding change: c.1280G>A on transcript NM_004656.4 (MANE Select); coding-DNA position 1280, G replaced by A.
Protein change: p.Gly427Glu; replaces glycine 427 with glutamic acid.
Molecular consequence: missense variant.
Genome position (GRCh38, 1-based): chr3:52,403,865, C>T on the plus strand (G>A on the coding strand, the complement: BAP1 is on the minus strand). VCF-style: chr3-52403865-C-T. GRCh37 (hg19) VCF-style: chr3-52437881-C-T.
Other names: c.1280G>A (LRG_529t1); short protein forms G427E.
Identifiers: ClinVar variation 485261 (VCV000485261.16), dbSNP rs761183483, ClinGen allele CA353102365.